The following is an entry in ClinVar:

ClinVar aggregate classification (germline): Uncertain significance (1 of 4 stars; one submission).

Submission:

Labcorp Genetics (formerly Invitae), Labcorp
Classification: Uncertain significance. Last evaluated: 2023-09-22. Review status: criteria provided, single submitter. Criteria: Invitae Variant Classification Sherloc (09022015). Collection method: clinical testing. Allele origin: germline.
Comment: In summary, the available evidence is currently insufficient to determine the role of this variant in disease. Therefore, it has been classified as a Variant of Uncertain Significance. Advanced modeling of protein sequence and biophysical properties (such as structural, functional, and spatial information, amino acid conservation, physicochemical variation, residue mobility, and thermodynamic stability) performed at Invitae indicates that this missense variant is expected to disrupt TBX6 protein function. This variant has not been reported in the literature in individuals affected with TBX6-related conditions. This variant is not present in population databases (gnomAD no frequency). This sequence change replaces leucine, which is neutral and non-polar, with histidine, which is basic and polar, at codon 197 of the TBX6 protein (p.Leu197His).

NM_004608.4(TBX6):c.590T>A (p.Leu197His)

Gene: TBX6 (T-box transcription factor 6; minus strand). Cytogenetic location: 16p11.2.
Variant type: single nucleotide variant.
Coding change: c.590T>A on transcript NM_004608.4 (MANE Select); coding-DNA position 590, T replaced by A.
Protein change: p.Leu197His; replaces leucine 197 with histidine.
Molecular consequence: missense variant.
Genome position (GRCh38, 1-based): chr16:30,088,974, A>T on the plus strand (T>A on the coding strand, the complement: TBX6 is on the minus strand). VCF-style: chr16-30088974-A-T. GRCh37 (hg19) VCF-style: chr16-30100295-A-T.
Other names: short protein forms L197H.
Identifiers: ClinVar variation 2762580 (VCV002762580.3), dbSNP rs2543665918, ClinGen allele CA395519511.